The following is an entry in ClinVar:

NM_001367624.2(ZNF469):c.2070C>G (p.Phe690Leu)

Gene: ZNF469 (zinc finger protein 469; plus strand). Cytogenetic location: 16q24.2.
Variant type: single nucleotide variant.
Coding change: c.2070C>G on transcript NM_001367624.2 (MANE Select); coding-DNA position 2070, C replaced by G.
Protein change: p.Phe690Leu; replaces phenylalanine 690 with leucine.
Molecular consequence: missense variant.
Genome position (GRCh38, 1-based): chr16:88,429,540, C>G. VCF-style: chr16-88429540-C-G. GRCh37 (hg19) VCF-style: chr16-88495948-C-G.
Other names: short protein forms F690L.
Identifiers: ClinVar variation 1498041 (VCV001498041.8), dbSNP rs867021038, ClinGen allele CA397069687.
Genomic context (GRCh38, chr16:88,429,540, plus strand): 5'-TTTTCCCGCAGATGGGCTGGGAGCCGAGGGTGCCTTCCAGTGCCTGGAGGAGACCCCATT[C>G]CCCCACGAGGGCCCCGAGGTGGGTCGGGGAGGGCTGCAGGGCTTCCCCCGTGCGCCGCCT-3'
Protein context (NP_001354553.1, residues 680-700): GAFQCLEETP[Phe690Leu]PHEGPEVGRG

ClinVar aggregate classification (germline): Uncertain significance (1 of 4 stars; one submission).

gnomAD v4.1: 1 of 1,549,644 alleles (0.000065%); highest among the groups gnomAD compares: Non-Finnish European, 0.000087%; no homozygotes.

Submission:

Labcorp Genetics (formerly Invitae), Labcorp
Classification: Uncertain significance. Last evaluated: 2021-05-16. Review status: criteria provided, single submitter. Criteria: Invitae Variant Classification Sherloc (09022015). Collection method: clinical testing. Allele origin: germline.
Comment: This sequence change replaces phenylalanine with leucine at codon 690 of the ZNF469 protein (p.Phe690Leu). The phenylalanine residue is moderately conserved and there is a small physicochemical difference between phenylalanine and leucine. In summary, the available evidence is currently insufficient to determine the role of this variant in disease. Therefore, it has been classified as a Variant of Uncertain Significance. Algorithms developed to predict the effect of missense changes on protein structure and function output the following: SIFT: "Deleterious"; PolyPhen-2: "Benign"; Align-GVGD: "Class C0". The leucine amino acid residue is found in multiple mammalian species, suggesting that this missense change does not adversely affect protein function. These predictions have not been confirmed by published functional studies and their clinical significance is uncertain. This variant has not been reported in the literature in individuals with ZNF469-related conditions. The frequency data for this variant in the population databases is considered unreliable, as metrics indicate insufficient coverage at this position in the ExAC database.